The following is an entry in ClinVar:

ClinVar aggregate classification (germline): Uncertain significance (1 of 4 stars; one submission).

Conditions:
Autosomal recessive severe congenital neutropenia due to CSF3R deficiency. Also called: Neutropenia, severe congenital, 7, autosomal recessive. Identifiers: Orphanet 420702, MedGen C4310764, MONDO:0014865, OMIM 617014.

gnomAD v4.1: 4 of 1,613,672 alleles (0.00025%); highest among the groups gnomAD compares: Admixed American, 0.0033%; no homozygotes.

Submission:

Labcorp Genetics (formerly Invitae), Labcorp
Classification: Uncertain significance for Autosomal recessive severe congenital neutropenia due to CSF3R deficiency. Last evaluated: 2025-07-21. Review status: criteria provided, single submitter. Criteria: Invitae Variant Classification Sherloc (09022015). Collection method: clinical testing. Allele origin: germline.
Comment: This sequence change replaces phenylalanine, which is neutral and non-polar, with isoleucine, which is neutral and non-polar, at codon 819 of the CSF3R protein (p.Phe819Ile). This variant is present in population databases (no rsID available, gnomAD no frequency). This variant has not been reported in the literature in individuals affected with CSF3R-related conditions. ClinVar contains an entry for this variant (Variation ID: 2965597). An algorithm developed to predict the effect of missense changes on protein structure and function (PolyPhen-2) suggests that this variant is likely to be disruptive. In summary, the available evidence is currently insufficient to determine the role of this variant in disease. Therefore, it has been classified as a Variant of Uncertain Significance.

NM_000760.4(CSF3R):c.2455T>A (p.Phe819Ile)

Gene: CSF3R (colony stimulating factor 3 receptor; minus strand). Cytogenetic location: 1p34.3.
Variant type: single nucleotide variant.
Coding change: c.2455T>A on transcript NM_000760.4 (MANE Select); coding-DNA position 2455, T replaced by A.
Protein change: p.Phe819Ile; replaces phenylalanine 819 with isoleucine.
Molecular consequence: missense variant. On other transcripts: intron variant (1).
Genome position (GRCh38, 1-based): chr1:36,466,413, A>T on the plus strand (T>A on the coding strand, the complement: CSF3R is on the minus strand). VCF-style: chr1-36466413-A-T. GRCh37 (hg19) VCF-style: chr1-36932014-A-T.
Other names: c.2536T>A, p.Phe846Ile (NM_156039.3); c.2247+208T>A (NM_172313.3); short protein forms F819I, F846I.
Identifiers: ClinVar variation 2965597 (VCV002965597.3), dbSNP rs1475784728, ClinGen allele CA339412738.